The following is an entry in ClinVar:

ClinVar aggregate classification (germline): Pathogenic/Likely pathogenic. Review status: criteria provided, multiple submitters, no conflicts (2 of 4 stars). 2 submissions from 2 submitters: Pathogenic (1); Likely pathogenic (1). Last evaluated 2022-05-27.

Conditions:
Autosomal recessive osteopetrosis 1. Also called: ALBERS-SCHONBERG DISEASE, AUTOSOMAL RECESSIVE; TCIRG1-Related Osteopetrosis; TCIRG1-Related Autosomal Recessive Osteopetrosis. Identifiers: Orphanet 667, MedGen C1850127, MONDO:0009815, OMIM 259700.

Submissions (2):

Fulgent Genetics
Classification: Likely pathogenic for Autosomal recessive osteopetrosis 1. Last evaluated: 2022-05-27. Review status: criteria provided, single submitter. Criteria: ACMG Guidelines, 2015. Collection method: clinical testing. Allele origin: unknown.

Labcorp Genetics (formerly Invitae), Labcorp
Classification: Pathogenic. Last evaluated: 2020-10-28. Review status: criteria provided, single submitter. Criteria: Invitae Variant Classification Sherloc (09022015). Collection method: clinical testing. Allele origin: germline.
Comment: For these reasons, this variant has been classified as Pathogenic. This variant has not been reported in the literature in individuals with TCIRG1-related conditions. This variant is not present in population databases (ExAC no frequency). This sequence change creates a premature translational stop signal (p.Trp487Glyfs*41) in the TCIRG1 gene. It is expected to result in an absent or disrupted protein product. Loss-of-function variants in TCIRG1 are known to be pathogenic (PMID: 10888887, 10942435, 11532986, 19448635).

Literature cited by the submitters: PubMed 10888887 (cited by Labcorp Genetics (formerly Invitae), Labcorp); PubMed 10942435 (cited by Labcorp Genetics (formerly Invitae), Labcorp); PubMed 11532986 (cited by Labcorp Genetics (formerly Invitae), Labcorp); PubMed 19448635 (cited by Labcorp Genetics (formerly Invitae), Labcorp).

NM_006019.4(TCIRG1):c.1459del (p.Trp487fs)

Gene: TCIRG1 (T cell immune regulator 1, ATPase H+ transporting V0 subunit a3; plus strand). Cytogenetic location: 11q13.2.
Variant type: Deletion.
Coding change: c.1459del on transcript NM_006019.4 (MANE Select); coding-DNA position 1459, one base deleted (T; older notation c.1459delT).
Protein change: p.Trp487fs; shifts the reading frame from tryptophan 487.
Molecular consequence: frameshift variant.
Genome position (GRCh38, 1-based): chr11:68,047,800, T deleted. VCF-style (leftmost placement, unchanged base first): chr11-68047799-CT-C. GRCh37 (hg19) VCF-style: chr11-67815266-CT-C.
Other names: c.565del, p.Trp189fs (NM_001351059.2); c.811del, p.Trp271fs (NM_006053.4); short protein forms W189fs, W271fs, W487fs.
Identifiers: ClinVar variation 1456773 (VCV001456773.7), dbSNP rs2134455711, ClinGen allele CA2573147498.